The following is an entry in ClinVar:

NM_005529.7(HSPG2):c.5206G>A (p.Val1736Ile)

Gene: HSPG2 (heparan sulfate proteoglycan 2; minus strand). Cytogenetic location: 1p36.12.
Variant type: single nucleotide variant.
Coding change: c.5206G>A on transcript NM_005529.7 (MANE Select); coding-DNA position 5206, G replaced by A.
Protein change: p.Val1736Ile; replaces valine 1736 with isoleucine.
Molecular consequence: missense variant.
Genome position (GRCh38, 1-based): chr1:21,859,653, C>T on the plus strand (G>A on the coding strand, the complement: HSPG2 is on the minus strand). VCF-style: chr1-21859653-C-T. GRCh37 (hg19) VCF-style: chr1-22186146-C-T.
Other names: c.5209G>A, p.Val1737Ile (NM_001291860.2); short protein forms V1736I, V1737I.
Identifiers: ClinVar variation 804902 (VCV000804902.21), dbSNP rs200506675, ClinGen allele CA672013.
Genomic context (GRCh38, chr1:21,859,653, plus strand): 5'-TATTGGATTGGTGGAGATTACGGCAGGTGCAAATGTAGACCCCAGCATCCGAGGGCTGGA[C>T]GCTGGGGAAGTGGAGCTCGGAGCCTGGTGGGGAGGAGACAAGAGCTTGTTGGTGCAGATA-3'
Protein context (NP_005520.4, residues 1726-1746): HQGSELHFPS[Val1736Ile]QPSDAGVYIC

ClinVar aggregate classification (germline): Uncertain significance. Review status: criteria provided, multiple submitters, no conflicts (2 of 4 stars). 5 submissions from 5 submitters: Uncertain significance (5). Last evaluated 2025-08-18.

Conditions:
Connective tissue disorder. Also called: Connective tissue disease. Identifiers: MedGen C0009782, MONDO:0003900.

Allele frequency attached by ClinVar (database versions not stated): TOPMed 0.00023; gnomAD exomes 0.00035 and 0.00039; gnomAD 0.00036 and 0.00038; ESP Exome Variant Server 0.00038; 1000 Genomes Project 0.00040; ExAC 0.00043; 1000 Genomes Project 30x 0.00047.
gnomAD v4.1: 614 of 1,608,646 alleles (0.038%); highest among the groups gnomAD compares: Non-Finnish European, 0.042%; 1 homozygote.

Submissions (5):

Labcorp Genetics (formerly Invitae), Labcorp
Classification: Uncertain significance. Last evaluated: 2025-08-18. Review status: criteria provided, single submitter. Criteria: Invitae Variant Classification Sherloc (09022015). Collection method: clinical testing. Allele origin: germline.
Comment: This sequence change replaces valine, which is neutral and non-polar, with isoleucine, which is neutral and non-polar, at codon 1736 of the HSPG2 protein (p.Val1736Ile). This variant is present in population databases (rs200506675, gnomAD 0.1%). This variant has not been reported in the literature in individuals affected with HSPG2-related conditions. ClinVar contains an entry for this variant (Variation ID: 804902). An algorithm developed to predict the effect of missense changes on protein structure and function outputs the following: PolyPhen-2: "Benign". The isoleucine amino acid residue is found in multiple mammalian species, which suggests that this missense change does not adversely affect protein function. In summary, the available evidence is currently insufficient to determine the role of this variant in disease. Therefore, it has been classified as a Variant of Uncertain Significance.

ARUP Laboratories, Molecular Genetics and Genomics, ARUP Laboratories
Classification: Uncertain significance. Last evaluated: 2021-01-29. Review status: criteria provided, single submitter. Criteria: ARUP Molecular Germline Variant Investigation Process 2021. Collection method: clinical testing. Allele origin: germline.
Comment: The HSPG2 c.5206G>A; p.Val1736Ile variant (rs200506675), to our knowledge, is not reported in the medical literature but is reported in ClinVar (Variation ID: 804902). This variant is found in the Finnish European population with an overall allele frequency of 0.13% (31/23010 alleles) in the Genome Aggregation Database. The valine at codon 1736 is moderately conserved, and computational analyses predict that this variant is neutral (REVEL: 0.035). However, due to limited information, the clinical significance of the p.Val1736Ile variant is uncertain at this time.

Genome Diagnostics Laboratory, The Hospital for Sick Children
Classification: Uncertain significance for Connective tissue disorder. Last evaluated: 2020-07-15. Review status: criteria provided, single submitter. Criteria: ACMG Guidelines, 2015. Collection method: clinical testing. Allele origin: germline.

Athena Diagnostics
Classification: Uncertain significance. Last evaluated: 2020-02-27. Review status: criteria provided, single submitter. Criteria: Athena Diagnostics Criteria. Collection method: clinical testing. Allele origin: unknown.

Revvity Omics, Revvity
Classification: Uncertain significance. Last evaluated: 2019-10-07. Review status: criteria provided, single submitter. Criteria: ACMG Guidelines, 2015. Collection method: clinical testing. Allele origin: germline.